The following is an entry in ClinVar:

ClinVar aggregate classification (germline): Uncertain significance (1 of 4 stars; one submission).

Conditions:
Epidermolysis bullosa simplex 3, localized or generalized intermediate, with BP230 deficiency (EBS3). Also called: Epidermolysis bullosa simplex due to BP230 deficiency; Epidermolysis bullosa simplex, autosomal recessive 2. Identifiers: Orphanet 412181, MedGen C3809470, MONDO:0014180, OMIM 615425.
Hereditary sensory and autonomic neuropathy type 6. Also called: HSAN VI; Neuropathy, hereditary sensory and autonomic, type VI. Identifiers: Orphanet 314381, MedGen C3539003, MONDO:0013839, OMIM 614653.

gnomAD v4.1: 1 of 1,613,612 alleles (0.000062%); highest among the groups gnomAD compares: African/African-American, 0.0013%; no homozygotes.

Submission:

Labcorp Genetics (formerly Invitae), Labcorp
Classification: Uncertain significance for Epidermolysis bullosa simplex 3, localized or generalized intermediate, with BP230 deficiency; Hereditary sensory and autonomic neuropathy type 6. Last evaluated: 2024-09-02. Review status: criteria provided, single submitter. Criteria: Invitae Variant Classification Sherloc (09022015). Collection method: clinical testing. Allele origin: germline.
Comment: This sequence change replaces glutamine, which is neutral and polar, with lysine, which is basic and polar, at codon 1605 of the DST protein (p.Gln1605Lys). This variant is present in population databases (no rsID available, gnomAD 0.01%). This variant has not been reported in the literature in individuals affected with DST-related conditions. An algorithm developed to predict the effect of missense changes on protein structure and function (PolyPhen-2) suggests that this variant is likely to be tolerated. In summary, the available evidence is currently insufficient to determine the role of this variant in disease. Therefore, it has been classified as a Variant of Uncertain Significance.

NM_001723.7(DST):c.4813C>A (p.Gln1605Lys)

Gene: DST (dystonin; minus strand). Cytogenetic location: 6p12.1.
Variant type: single nucleotide variant.
Coding change: c.4813C>A on transcript NM_001723.7 (MANE Plus Clinical); coding-DNA position 4813, C replaced by A.
Protein change: p.Gln1605Lys; replaces glutamine 1605 with lysine.
Molecular consequence: missense variant. On other transcripts: intron variant (10).
Genome position (GRCh38, 1-based): chr6:56,619,221, G>T on the plus strand (C>A on the coding strand, the complement: DST is on the minus strand). VCF-style: chr6-56619221-G-T. GRCh37 (hg19) VCF-style: chr6-56484019-G-T.
Other names: c.4831-4737C>A (NM_001144769.5); c.4930-4737C>A (NM_001374722.1, NM_001374736.1); c.4957-4737C>A (NM_001374734.1); c.4417-4737C>A (NM_001144770.2); c.4297-4737C>A (NM_001374730.1, NM_001386100.1, NM_183380.4 and 1 more transcripts); c.3319-4737C>A (NM_015548.5); short protein forms Q1605K.
Identifiers: ClinVar variation 3753505 (VCV003753505.2).